The following is an entry in ClinVar:

NM_014391.3(ANKRD1):c.125A>G (p.Gln42Arg)

Gene: ANKRD1 (ankyrin repeat domain 1; minus strand). Cytogenetic location: 10q23.31.
Variant type: single nucleotide variant.
Coding change: c.125A>G on transcript NM_014391.3 (MANE Select); coding-DNA position 125, A replaced by G.
Protein change: p.Gln42Arg; replaces glutamine 42 with arginine.
Molecular consequence: missense variant.
Genome position (GRCh38, 1-based): chr10:90,920,251, T>C on the plus strand (A>G on the coding strand, the complement: ANKRD1 is on the minus strand). VCF-style: chr10-90920251-T-C. GRCh37 (hg19) VCF-style: chr10-92680008-T-C.
Other names: short protein forms Q42R.
Identifiers: ClinVar variation 1304990 (VCV001304990.4), dbSNP rs1408164414, ClinGen allele CA377553804.

ClinVar aggregate classification (germline): Uncertain significance. Review status: criteria provided, multiple submitters, no conflicts (2 of 4 stars). 2 submissions from 2 submitters: Uncertain significance (2). Last evaluated 2020-06-29.

Conditions:
Cardiovascular phenotype. Identifiers: MedGen CN230736.

Allele frequency attached by ClinVar (database versions not stated): gnomAD exomes below 0.00001.

Submissions (2):

Ambry Genetics
Classification: Uncertain significance for Cardiovascular phenotype. Last evaluated: 2020-06-29. Review status: criteria provided, single submitter. Criteria: Ambry Variant Classification Scheme 2023. Collection method: clinical testing. Allele origin: germline.
Comment: The p.Q42R variant (also known as c.125A>G), located in coding exon 2 of the ANKRD1 gene, results from an A to G substitution at nucleotide position 125. The glutamine at codon 42 is replaced by arginine, an amino acid with highly similar properties. This amino acid position is well conserved in available vertebrate species; however, arginine is the reference amino acid in other vertebrate species. In addition, this alteration is predicted to be tolerated by in silico analysis. Since supporting evidence is limited at this time, the clinical significance of this alteration remains unclear.

GeneDx
Classification: Uncertain significance. Last evaluated: 2019-04-05. Review status: criteria provided, single submitter. Criteria: GeneDx Variant Classification Process June 2021. Collection method: clinical testing. Allele origin: germline. Affected: yes.
Comment: Not observed at a significant frequency in large population cohorts (Lek et al., 2016); In silico analysis, which includes protein predictors and evolutionary conservation, supports that this variant does not alter protein structure/function; Has not been previously published as pathogenic or benign to our knowledge